The following is an entry in ClinVar:

ClinVar aggregate classification (germline): Uncertain significance. Review status: criteria provided, multiple submitters, no conflicts (2 of 4 stars). 4 submissions from 4 submitters: Uncertain significance (2). 2 of the submissions do not count toward it. Last evaluated 2026-04-21.

Conditions:
Niemann-Pick disease, type C1. Also called: NIEMANN-PICK DISEASE, VARIANT TYPE C1; NEUROVISCERAL STORAGE DISEASE WITH VERTICAL SUPRANUCLEAR OPHTHALMOPLEGIA; NIEMANN-PICK DISEASE WITH CHOLESTEROL ESTERIFICATION BLOCK; NIEMANN-PICK DISEASE WITHOUT SPHINGOMYELINASE DEFICIENCY; NIEMANN-PICK DISEASE, CHRONIC NEURONOPATHIC FORM. Identifiers: Orphanet 646, MedGen C3179455, MONDO:0009757, OMIM 257220.

Allele frequency attached by ClinVar (database versions not stated): gnomAD exomes 0.00001 and below 0.00001; TOPMed below 0.00001; gnomAD 0.00001.
gnomAD v4.1: 6 of 1,614,042 alleles (0.00037%); highest among the groups gnomAD compares: Non-Finnish European, 0.000085%; no homozygotes.

Submissions (4):

GeneDx
Classification: Uncertain significance. Last evaluated: 2026-04-21. Review status: criteria provided, single submitter. Criteria: GeneDx Variant Classification Process June 2021. Collection method: clinical testing. Allele origin: germline.
Comment: In silico analysis supports that this missense variant has a deleterious effect on protein structure/function; This variant is associated with the following publications: (PMID: Wang2021[Preprint], 12955717)

Labcorp Genetics (formerly Invitae), Labcorp
Classification: Uncertain significance for Niemann-Pick disease, type C1. Last evaluated: 2021-09-01. Review status: criteria provided, single submitter. Criteria: Invitae Variant Classification Sherloc (09022015). Collection method: clinical testing. Allele origin: germline.
Comment: This sequence change replaces leucine with phenylalanine at codon 380 of the NPC1 protein (p.Leu380Phe). The leucine residue is highly conserved and there is a small physicochemical difference between leucine and phenylalanine. This variant is not present in population databases (ExAC no frequency). This missense change has been observed in individual(s) with Niemann-Pick disease type C (PMID: 12955717). ClinVar contains an entry for this variant (Variation ID: 554968). Algorithms developed to predict the effect of missense changes on protein structure and function are either unavailable or do not agree on the potential impact of this missense change (SIFT: "Deleterious"; PolyPhen-2: "Probably Damaging"; Align-GVGD: "Class C0"). In summary, the available evidence is currently insufficient to determine the role of this variant in disease. Therefore, it has been classified as a Variant of Uncertain Significance.

Natera, Inc.
Classification: Uncertain significance for Niemann-Pick disease type C1. Last evaluated: 2020-09-16. Review status: no assertion criteria provided. Collection method: clinical testing. Allele origin: germline. Not counted in ClinVar's aggregate classification.

Counsyl
Classification: Uncertain significance for Niemann-Pick disease, type C1. Last evaluated: 2017-11-09. Review status: no assertion criteria provided. Collection method: clinical testing. Allele origin: unknown. Not counted in ClinVar's aggregate classification.

Literature cited by the submitters: PubMed 12955717 (cited by Labcorp Genetics (formerly Invitae), Labcorp and Counsyl); PubMed 27238017 (cited by Counsyl).

NM_000271.5(NPC1):c.1138C>T (p.Leu380Phe)

Gene: NPC1 (NPC intracellular cholesterol transporter 1; minus strand). Cytogenetic location: 18q11.2.
Variant type: single nucleotide variant.
Coding change: c.1138C>T on transcript NM_000271.5 (MANE Select); coding-DNA position 1138, C replaced by T.
Protein change: p.Leu380Phe; replaces leucine 380 with phenylalanine.
Molecular consequence: missense variant.
Genome position (GRCh38, 1-based): chr18:23,556,431, G>A on the plus strand (C>T on the coding strand, the complement: NPC1 is on the minus strand). VCF-style: chr18-23556431-G-A. GRCh37 (hg19) VCF-style: chr18-21136395-G-A.
Other names: short protein forms L380F.
Identifiers: ClinVar variation 554968 (VCV000554968.8), dbSNP rs1435915496, ClinGen allele CA401778136.